The following is an entry in ClinVar:

ClinVar aggregate classification (germline): Conflicting classifications of pathogenicity. Review status: criteria provided, conflicting classifications (1 of 4 stars). 4 submissions from 4 submitters: Uncertain significance (2); Benign (1). 1 of the submissions does not count toward it. Last evaluated 2025-12-23.

Conditions:
PCNT-related disorder. Also called: PCNT-related condition.
Microcephalic osteodysplastic primordial dwarfism type II (MOPD2). Also called: Microcephalic osteodysplastic primordial dwarfism with tooth abnormalities; MOPD II; OSTEODYSPLASTIC PRIMORDIAL DWARFISM, TYPE II. Identifiers: Orphanet 2637, MedGen C0432246, MONDO:0008872, OMIM 210720.

Allele frequency attached by ClinVar (database versions not stated): gnomAD 0.00007 and 0.00006; ExAC 0.00010; TOPMed 0.00006; gnomAD exomes 0.00014.
gnomAD v4.1: 113 of 1,613,892 alleles (0.007%); highest among the groups gnomAD compares: Non-Finnish European, 0.0011%; no homozygotes.

Submissions (4):

Labcorp Genetics (formerly Invitae), Labcorp
Classification: Benign. Last evaluated: 2025-12-23. Review status: criteria provided, single submitter. Criteria: Invitae Variant Classification Sherloc (09022015). Collection method: clinical testing. Allele origin: germline.

Illumina Laboratory Services, Illumina
Classification: Uncertain significance for Microcephalic osteodysplastic primordial dwarfism type II. Last evaluated: 2018-01-13. Review status: criteria provided, single submitter. Criteria: ICSL Variant Classification Criteria 13 December 2019. Collection method: clinical testing. Allele origin: germline.

Breakthrough Genomics
Classification: Uncertain significance. Review status: criteria provided, single submitter. Criteria: ACMG Guidelines, 2015. Collection method: not provided. Allele origin: germline. Inheritance: Autosomal dominant inheritance. Affected: yes.

PreventionGenetics, part of Exact Sciences
Classification: Likely benign for PCNT-related condition. Last evaluated: 2022-06-22. Review status: no assertion criteria provided. Collection method: clinical testing. Allele origin: germline. Not counted in ClinVar's aggregate classification.
Comment: This variant is classified as likely benign based on ACMG/AMP sequence variant interpretation guidelines (Richards et al. 2015 PMID: 25741868, with internal and published modifications).

NM_006031.6(PCNT):c.1236T>C (p.His412=)

Gene: PCNT (pericentrin; plus strand). Cytogenetic location: 21q22.3.
Variant type: single nucleotide variant.
Coding change: c.1236T>C on transcript NM_006031.6 (MANE Select); coding-DNA position 1236, T replaced by C.
Protein change: p.His412=; no amino-acid change (histidine 412 retained).
Molecular consequence: synonymous variant.
Genome position (GRCh38, 1-based): chr21:46,349,712, T>C. VCF-style: chr21-46349712-T-C. GRCh37 (hg19) VCF-style: chr21-47769626-T-C.
Other names: c.882T>C, p.His294= (NM_001315529.2).
Identifiers: ClinVar variation 340470 (VCV000340470.11), dbSNP rs769637090, ClinGen allele CA10078559.
Genomic context (GRCh38, chr21:46,349,712, plus strand): 5'-GTAAACCAAGTGCCATTGCTTTACCTTTCTAGGGGCCCTTAGGAACCTGGAGAGTCATCA[T>C]CAAGCAGCCATTGAGAAGTTACGTGAAGACCTGCAGTCCGAGCACGGCCGGTGTTTAGAA-3'
Protein context (NP_006022.3, residues 402-422): ERALRNLESH[His412=]QAAIEKLRED